The following is an entry in ClinVar:

NM_003705.5(SLC25A12):c.1502T>C (p.Val501Ala)

Gene: SLC25A12 (solute carrier family 25 member 12; minus strand). Cytogenetic location: 2q31.1.
Variant type: single nucleotide variant.
Coding change: c.1502T>C on transcript NM_003705.5 (MANE Select); coding-DNA position 1502, T replaced by C.
Protein change: p.Val501Ala; replaces valine 501 with alanine.
Molecular consequence: missense variant. On other transcripts: non-coding transcript variant (1).
Genome position (GRCh38, 1-based): chr2:171,791,534, A>G on the plus strand (T>C on the coding strand, the complement: SLC25A12 is on the minus strand). VCF-style: chr2-171791534-A-G. GRCh37 (hg19) VCF-style: chr2-172648044-A-G.
Other names: short protein forms V501A.
Identifiers: ClinVar variation 1905506 (VCV001905506.4), dbSNP rs772048231, ClinGen allele CA1966095.

ClinVar aggregate classification (germline): Uncertain significance (1 of 4 stars; one submission).

Allele frequency attached by ClinVar (database versions not stated): TOPMed below 0.00001; ExAC 0.00001; gnomAD 0.00001; gnomAD exomes 0.00001.
gnomAD v4.1: 11 of 1,613,622 alleles (0.00068%); highest among the groups gnomAD compares: South Asian, 0.0011%; no homozygotes.

Submission:

Labcorp Genetics (formerly Invitae), Labcorp
Classification: Uncertain significance. Last evaluated: 2023-01-21. Review status: criteria provided, single submitter. Criteria: Invitae Variant Classification Sherloc (09022015). Collection method: clinical testing. Allele origin: germline.
Comment: Advanced modeling of protein sequence and biophysical properties (such as structural, functional, and spatial information, amino acid conservation, physicochemical variation, residue mobility, and thermodynamic stability) performed at Invitae indicates that this missense variant is not expected to disrupt SLC25A12 protein function. In summary, the available evidence is currently insufficient to determine the role of this variant in disease. Therefore, it has been classified as a Variant of Uncertain Significance. This variant has not been reported in the literature in individuals affected with SLC25A12-related conditions. This sequence change replaces valine, which is neutral and non-polar, with alanine, which is neutral and non-polar, at codon 501 of the SLC25A12 protein (p.Val501Ala). This variant is present in population databases (rs772048231, gnomAD 0.003%).